The following is an entry in ClinVar:

ClinVar aggregate classification (germline): Likely benign. Review status: criteria provided, multiple submitters, no conflicts (2 of 4 stars). 3 submissions from 3 submitters: Likely benign (2). 1 of the submissions does not count toward it. Last evaluated 2025-09-02.

Conditions:
Inborn genetic diseases. Identifiers: MedGen C0950123, MeSH D030342.
DNMT3A-related disorder. Also called: DNMT3A-related disorders; DNMT3A-related condition.
Tatton-Brown-Rahman overgrowth syndrome. Also called: Tatton-Brown-Rahman syndrome; Tall stature-intellectual disability-facial dysmorphism syndrome. Identifiers: Orphanet 404443, MedGen C4014545, MONDO:0014382, OMIM 615879.

Allele frequency attached by ClinVar (database versions not stated): gnomAD 0.00001; ExAC 0.00002; gnomAD exomes 0.00002.
gnomAD v4.1: 34 of 1,613,010 alleles (0.0021%); highest among the groups gnomAD compares: East Asian, 0.0045%; no homozygotes.

Submissions (3):

Labcorp Genetics (formerly Invitae), Labcorp
Classification: Likely benign for Tatton-Brown-Rahman overgrowth syndrome. Last evaluated: 2025-09-02. Review status: criteria provided, single submitter. Criteria: Invitae Variant Classification Sherloc (09022015). Collection method: clinical testing. Allele origin: germline.

Ambry Genetics
Classification: Likely benign for Inborn genetic diseases. Last evaluated: 2025-01-09. Review status: criteria provided, single submitter. Criteria: Ambry Variant Classification Scheme 2023. Collection method: clinical testing. Allele origin: germline.

PreventionGenetics, part of Exact Sciences
Classification: Likely benign for DNMT3A-related condition. Last evaluated: 2022-04-07. Review status: no assertion criteria provided. Collection method: clinical testing. Allele origin: germline. Not counted in ClinVar's aggregate classification.
Comment: This variant is classified as likely benign based on ACMG/AMP sequence variant interpretation guidelines (Richards et al. 2015 PMID: 25741868, with internal and published modifications).

NM_022552.5(DNMT3A):c.1311G>A (p.Thr437=)

Gene: DNMT3A (DNA methyltransferase 3 alpha; minus strand). Cytogenetic location: 2p23.3.
Variant type: single nucleotide variant.
Coding change: c.1311G>A on transcript NM_022552.5 (MANE Select); coding-DNA position 1311, G replaced by A.
Protein change: p.Thr437=; no amino-acid change (threonine 437 retained).
Molecular consequence: synonymous variant. On other transcripts: non-coding transcript variant (1).
Genome position (GRCh38, 1-based): chr2:25,246,278, C>T on the plus strand (G>A on the coding strand, the complement: DNMT3A is on the minus strand). VCF-style: chr2-25246278-C-T. GRCh37 (hg19) VCF-style: chr2-25469147-C-T.
Other names: c.1311G>A (NM_022552.3); c.855G>A, p.Thr285= (NM_001320893.1); c.642G>A, p.Thr214= (NM_001375819.1); c.744G>A, p.Thr248= (NM_153759.3); c.1311G>A, p.Thr437= (NM_175629.2).
Identifiers: ClinVar variation 3008371 (VCV003008371.5), dbSNP rs766550494, ClinGen allele CA1556069.